The following is an entry in ClinVar:

ClinVar aggregate classification (germline): Uncertain significance (1 of 4 stars; one submission).

Conditions:
RMP64-related condition.

gnomAD v4.1: 67 of 1,613,660 alleles (0.0042%); highest among the groups gnomAD compares: African/African-American, 0.008%; no homozygotes.

Submission:

PreventionGenetics, part of Exact Sciences
Classification: Uncertain significance for RMP64-related condition. Last evaluated: 2024-10-15. Review status: criteria provided, single submitter. Criteria: ACMG Guidelines, 2015. Collection method: clinical testing. Allele origin: germline.
Comment: The RMP64 c.1388C>T variant is predicted to result in the amino acid substitution p.Ser463Leu. To our knowledge, this variant has not been reported in the literature or in a large population database (gnomAD), indicating this variant is rare. At this time, the clinical significance of this variant is uncertain due to the absence of conclusive functional and genetic evidence.

NM_015412.4(RMP64):c.1388C>T (p.Ser463Leu)

Gene: RMP64 (ribonuclease MRP subunit p64; minus strand). Cytogenetic location: 3q13.2.
Variant type: single nucleotide variant.
Coding change: c.1388C>T on transcript NM_015412.4 (MANE Select); coding-DNA position 1388, C replaced by T.
Protein change: p.Ser463Leu; replaces serine 463 with leucine.
Molecular consequence: missense variant. On other transcripts: non-coding transcript variant (1).
Genome position (GRCh38, 1-based): chr3:113,005,852, G>A on the plus strand (C>T on the coding strand, the complement: RMP64 is on the minus strand). VCF-style: chr3-113005852-G-A. GRCh37 (hg19) VCF-style: chr3-112724699-G-A.
Other names: c.1178C>T, p.Ser393Leu (NM_001319109.2); c.887C>T, p.Ser296Leu (NM_001319110.2); c.779C>T, p.Ser260Leu (NM_001319111.2); c.1055C>T, p.Ser352Leu (NM_001319112.2); c.980C>T, p.Ser327Leu (NM_001319114.2); c.1097C>T, p.Ser366Leu (NM_001319115.2); short protein forms S327L, S296L, S366L, S260L, S352L, S393L, S463L.
Identifiers: ClinVar variation 4978191 (VCV004978191.1).